The following is an entry in ClinVar:

NM_001165963.4(SCN1A):c.4916G>A (p.Arg1639His)

Genes: SCN1A (sodium voltage-gated channel alpha subunit 1; minus strand), LOC102724058 (uncharacterized LOC102724058; plus strand). Cytogenetic location: 2q24.3.
Variant type: single nucleotide variant.
Coding change: c.4916G>A on transcript NM_001165963.4 (MANE Select); coding-DNA position 4916, G replaced by A.
Protein change: p.Arg1639His; replaces arginine 1639 with histidine.
Molecular consequence: missense variant. On other transcripts: non-coding transcript variant (1).
Genome position (GRCh38, 1-based): chr2:165,992,359, C>T on the plus strand (G>A on the coding strand, the complement: SCN1A is on the minus strand). VCF-style: chr2-165992359-C-T. GRCh37 (hg19) VCF-style: chr2-166848869-C-T.
Other names: c.4832G>A, p.Arg1611His (NM_001165964.3, NM_001353957.2, NM_001353958.2); c.4916G>A, p.Arg1639His (NM_001202435.3, NM_001353948.2); c.4883G>A, p.Arg1628His (NM_001353949.2, NM_001353950.2, NM_001353951.2 and 2 more transcripts); c.4880G>A, p.Arg1627His (NM_001353954.2, NM_001353955.2); c.4829G>A, p.Arg1610His (NM_001353960.2); c.2474G>A, p.Arg825His (NM_001353961.2); c.4916G>A (NM_001165963.1); short protein forms R1610H, R1611H, R1627H, R1628H, R1639H, R825H.
Identifiers: ClinVar variation 2503965 (VCV002503965.1), dbSNP rs796053029, ClinGen allele CA349070264.

ClinVar aggregate classification (germline): Uncertain significance (1 of 4 stars; one submission).

Allele frequency attached by ClinVar (database versions not stated): gnomAD exomes below 0.00001.
gnomAD v4.1: 1 of 1,613,672 alleles (0.000062%); highest among the groups gnomAD compares: Non-Finnish European, 0.000085%; no homozygotes.

Submission:

Women's Health and Genetics/Laboratory Corporation of America, LabCorp
Classification: Uncertain significance. Last evaluated: 2023-04-20. Review status: criteria provided, single submitter. Criteria: LabCorp Variant Classification Summary - May 2015. Collection method: clinical testing. Allele origin: germline.
Comment: Variant summary: SCN1A c.4916G>A (p.Arg1639His) results in a non-conservative amino acid change located in the Ion transport domain (IPR005821) of the encoded protein sequence. Five of five in-silico tools predict a damaging effect of the variant on protein function. The variant was absent in 251360 control chromosomes (gnomAD). The available data on variant occurrences in the general population are insufficient to allow any conclusion about variant significance. To our knowledge, no occurrence of c.4916G>A in individuals affected with SCN1A-Related Seizure Disorder and no experimental evidence demonstrating its impact on protein function have been reported. No clinical diagnostic laboratories have submitted clinical-significance assessments for this variant to ClinVar after 2014. Based on the evidence outlined above, the variant was classified as uncertain significance.